The following is an entry in ClinVar:

NM_001110556.2(FLNA):c.2519C>T (p.Pro840Leu)

Gene: FLNA (filamin A; minus strand). Cytogenetic location: Xq28.
Variant type: single nucleotide variant.
Coding change: c.2519C>T on transcript NM_001110556.2 (MANE Select); coding-DNA position 2519, C replaced by T.
Protein change: p.Pro840Leu; replaces proline 840 with leucine.
Molecular consequence: missense variant.
Genome position (GRCh38, 1-based): chrX:154,362,464, G>A on the plus strand (C>T on the coding strand, the complement: FLNA is on the minus strand). VCF-style: chrX-154362464-G-A. GRCh37 (hg19) VCF-style: chrX-153590832-G-A.
Other names: c.2519C>T, p.Pro840Leu (NM_001456.4); short protein forms P840L.
Identifiers: ClinVar variation 2125926 (VCV002125926.4), dbSNP rs2522748641, ClinGen allele CA415236047.

ClinVar aggregate classification (germline): Uncertain significance (1 of 4 stars; one submission).

Conditions:
Melnick-Needles syndrome (MNS). Also called: MELNICK-NEEDLES OSTEODYSPLASTY; OSTEODYSPLASTY OF MELNICK AND NEEDLES; Melnick-Needles Syndrome (FLNA-MNS). Identifiers: Orphanet 2484, MedGen C0025237, MONDO:0010650, OMIM 309350.
Heterotopia, periventricular, X-linked dominant (PVNH1). Also called: PERIVENTRICULAR NODULAR HETEROTOPIA 1; X-linked periventricular heterotopia; PERIVENTRICULAR NODULAR HETEROTOPIA 4; HETEROTOPIA, PERIVENTRICULAR, 1. Identifiers: Orphanet 2149, Orphanet 82004, MedGen C1848213, MONDO:0010233, OMIM 300049.
Frontometaphyseal dysplasia (FMD1). Identifiers: Orphanet 1826, MedGen C0265293, MONDO:0015942.
Oto-palato-digital syndrome, type II (OPD2). Also called: FACIOPALATOOSSEOUS SYNDROME; OPD II SYNDROME; Otopalatodigital Syndrome Type 2 (FLNA-OPD2); Otopalatodigital Syndrome, Type II. Identifiers: Orphanet 669, Orphanet 90652, MedGen C1844696, MONDO:0010571, OMIM 304120.

Submission:

Labcorp Genetics (formerly Invitae), Labcorp
Classification: Uncertain significance for Oto-palato-digital syndrome, type II; Heterotopia, periventricular, X-linked dominant; Frontometaphyseal dysplasia; Melnick-Needles syndrome. Last evaluated: 2025-04-23. Review status: criteria provided, single submitter. Criteria: Invitae Variant Classification Sherloc (09022015). Collection method: clinical testing. Allele origin: germline.
Comment: This sequence change replaces proline, which is neutral and non-polar, with leucine, which is neutral and non-polar, at codon 840 of the FLNA protein (p.Pro840Leu). This variant is not present in population databases (gnomAD no frequency). This variant has not been reported in the literature in individuals affected with FLNA-related conditions. ClinVar contains an entry for this variant (Variation ID: 2125926). Invitae Evidence Modeling of protein sequence and biophysical properties (such as structural, functional, and spatial information, amino acid conservation, physicochemical variation, residue mobility, and thermodynamic stability) indicates that this missense variant is not expected to disrupt FLNA protein function with a negative predictive value of 95%. In summary, the available evidence is currently insufficient to determine the role of this variant in disease. Therefore, it has been classified as a Variant of Uncertain Significance.